The following is an entry in ClinVar:

ClinVar aggregate classification (germline): Likely pathogenic (1 of 4 stars; one submission).

Conditions:
Fanconi anemia complementation group I (FANCI). Also called: FANCI-Related Fanconi Anemia. Identifiers: Orphanet 84, MedGen C1836861, MONDO:0012186, OMIM 609053.

Submission:

Dasa
Classification: Likely pathogenic for Fanconi anemia complementation group I. Last evaluated: 2026-02-05. Review status: criteria provided, single submitter. Criteria: DASA Assertion Criteria. Collection method: clinical testing. Allele origin: germline.
Comment: NM_001113378.2(FANCI):c.1583+2T>C affects a canonical splice site and is predicted to disrupt normal RNA splicing. Loss of function is an established disease mechanism for FANCI-associated disorders. Also, this variant is rare in population databases. Based on the currently available evidence, this variant is classified as likely pathogenic.

NM_001113378.2(FANCI):c.1583+2T>C

Gene: FANCI (FA complementation group I; plus strand). Cytogenetic location: 15q26.1.
Variant type: single nucleotide variant.
Coding change: c.1583+2T>C on transcript NM_001113378.2 (MANE Select); the canonical splice donor site of the intron after coding-DNA position 1583, T replaced by C.
Molecular consequence: splice donor variant.
Genome position (GRCh38, 1-based): chr15:89,281,837, T>C. VCF-style: chr15-89281837-T-C. GRCh37 (hg19) VCF-style: chr15-89825068-T-C.
Other names: c.1583+2T>C (NM_018193.3, NM_001376911.1); c.1304+2T>C (NM_001376910.1).
Identifiers: ClinVar variation 4883696 (VCV004883696.2).
Genomic context (GRCh38, chr15:89,281,837, plus strand): 5'-GTCAGCATGTCAATGAGAGACTGCTTGATACTTGTCCTTCGGAAAGCTATGTTTGCCAAG[T>C]ATGTAGCATCTTTTTCTATCATAGGAAGACGTTGTCTTCTAATGTTGGAGCTAAAGTTAT-3'